The following is an entry in ClinVar:

ClinVar aggregate classification (germline): Likely pathogenic (1 of 4 stars; one submission).

Conditions:
Bardet-Biedl syndrome 12 (BBS12). Identifiers: Orphanet 110, MedGen C1859570, MONDO:0014440, OMIM 615989.

Submission:

Natera, Inc.
Classification: Likely pathogenic for Bardet-Biedl syndrome type 12. Last evaluated: 2024-06-07. Review status: criteria provided, single submitter. Criteria: Natera Variant Classification Schema (03/2026). Collection method: clinical testing. Allele origin: germline.
Comment: The c.1100dupA variant in BBS12 is a frameshift variant predicted to shift the reading frame and introduce a stop codon. This variant is expected to result in nonsense mediated decay, truncation, or a dysfunctional protein product. This variant is rare in the general population with a frequency below the threshold expected for the associated phenotype(s). Given the available evidence, this variant is classified as Likely Pathogenic.

NM_152618.3(BBS12):c.1100dup (p.Tyr367Ter)

Gene: BBS12 (Bardet-Biedl syndrome 12; plus strand). Cytogenetic location: 4q27.
Variant type: Duplication.
Coding change: c.1100dup on transcript NM_152618.3 (MANE Select); coding-DNA position 1100, one base duplicated (A; older notation c.1100dupA).
Protein change: p.Tyr367Ter; replaces tyrosine 367 with a stop codon.
Molecular consequence: nonsense.
Genome position (GRCh38, 1-based): chr4:122,742,992, A duplicated. VCF-style (leftmost placement, unchanged base first): chr4-122742991-T-TA. GRCh37 (hg19) VCF-style: chr4-123664146-T-TA.
Other names: c.1100dup, p.Tyr367Ter (NM_001178007.2); short protein forms Y367*.
Identifiers: ClinVar variation 4816882 (VCV004816882.1), dbSNP rs1560707645.
Genomic context (GRCh38, chr4:122,742,991, plus strand): 5'-AAGGAATTGCAGAATCAGCCTGTGCGAATAGTTCTCATTGAGGGTGACCTCACAGAGAAT[T>TA]ACCGCCACCTGGGATTTAATAAGTCTGCAAATATTAAAACAGTATTAGATAGCATGCGGC-3'